The following is an entry in ClinVar:

NM_000492.4(CFTR):c.3505A>G (p.Met1169Val)

Genes: CFTR (CF transmembrane conductance regulator; plus strand), CFTR-AS2 (CFTR antisense RNA 2; minus strand). Cytogenetic location: 7q31.2.
Variant type: single nucleotide variant.
Coding change: c.3505A>G on transcript NM_000492.4 (MANE Select); coding-DNA position 3505, A replaced by G.
Protein change: p.Met1169Val; replaces methionine 1169 with valine.
Molecular consequence: missense variant.
Genome position (GRCh38, 1-based): chr7:117,627,558, A>G. VCF-style: chr7-117627558-A-G. GRCh37 (hg19) VCF-style: chr7-117267612-A-G.
Other names: short protein forms M1169V.
Identifiers: ClinVar variation 2447412 (VCV002447412.2), dbSNP rs1387464528, ClinGen allele CA368996135.

ClinVar aggregate classification (germline): Uncertain significance (1 of 4 stars; one submission).

Conditions:
Cystic fibrosis (CF). Also called: MUCOVISCIDOSIS. Identifiers: Orphanet 586, MedGen C0010674, MONDO:0009061, OMIM 219700. Disease mechanism: loss of function.

Allele frequency attached by ClinVar (database versions not stated): TOPMed 0.00001; gnomAD 0.00001.

Submission:

Ambry Genetics
Classification: Uncertain significance for Cystic fibrosis. Last evaluated: 2023-01-03. Review status: criteria provided, single submitter. Criteria: Ambry Variant Classification Scheme 2023. Collection method: clinical testing. Allele origin: germline.
Comment: The p.M1169V variant (also known as c.3505A>G), located in coding exon 22 of the CFTR gene, results from an A to G substitution at nucleotide position 3505. The methionine at codon 1169 is replaced by valine, an amino acid with highly similar properties. This amino acid position is conserved. In addition, the in silico prediction for this alteration is inconclusive. Since supporting evidence is limited at this time, the clinical significance of this alteration remains unclear.